The following is an entry in ClinVar:

NM_002860.4(ALDH18A1):c.1521_1522delinsTA (p.Lys507_Glu508delinsAsnLys)

Gene: ALDH18A1 (aldehyde dehydrogenase 18 family member A1; minus strand). Cytogenetic location: 10q24.1.
Variant type: Indel.
Coding change: c.1521_1522delinsTA on transcript NM_002860.4 (MANE Select); coding-DNA positions 1521 to 1522, GG replaced by TA.
Protein change: p.Lys507_Glu508delinsAsnLys.
Molecular consequence: missense variant.
Genome position (GRCh38, 1-based): chr10:95,616,560-95,616,561, CC replaced by TA on the plus strand (GG replaced by TA on the coding strand, the reverse complement: ALDH18A1 is on the minus strand). VCF-style: chr10-95616560-CC-TA. GRCh37 (hg19) VCF-style: chr10-97376317-CC-TA.
Other names: c.1515_1516delinsTA, p.Lys505_Glu506delinsAsnLys (NM_001017423.2, NM_001323415.2); c.1188_1189delinsTA, p.Lys396_Glu397delinsAsnLys (NM_001323412.2, NM_001323416.2); c.1521_1522delinsTA, p.Lys507_Glu508delinsAsnLys (NM_001323413.2, NM_001323414.2); c.1416_1417delinsTA, p.Lys472_Glu473delinsAsnLys (NM_001323417.2); c.1182_1183delinsTA, p.Lys394_Glu395delinsAsnLys (NM_001323418.2); c.885_886delinsTA, p.Lys295_Glu296delinsAsnLys (NM_001323419.2).
Identifiers: ClinVar variation 3758447 (VCV003758447.2).
Genomic context (GRCh38, chr10:95,616,560, plus strand): 5'-CATGGATTGAGAGAGCCTCCTGGGTCAGGAGGTGGAGAATCCGGTTGCTGTGTGCAGCCT[CC>TA]TTCCCTCCTTTGAGTAACAAGCCATTGCCACTTGCGATAGCCAAAGCTGCCACCTGCAGA-3'

ClinVar aggregate classification (germline): Uncertain significance (1 of 4 stars; one submission).

Conditions:
Cutis laxa, autosomal dominant 3 (ADCL3). Identifiers: Orphanet 90348, MedGen C4225268, MONDO:0014706, OMIM 616603.
Autosomal dominant spastic paraplegia type 9. Identifiers: MedGen C1832669, MONDO:0015091.
de Barsy syndrome. Also called: Cutis laxa-corneal clouding-oligophrenia syndrome. Identifiers: Orphanet 2962, MedGen C0268354, MONDO:0017569.

Submission:

Labcorp Genetics (formerly Invitae), Labcorp
Classification: Uncertain significance for Autosomal dominant spastic paraplegia type 9; de Barsy syndrome; Cutis laxa, autosomal dominant 3. Last evaluated: 2024-09-09. Review status: criteria provided, single submitter. Criteria: Invitae Variant Classification Sherloc (09022015). Collection method: clinical testing. Allele origin: germline.
Comment: This variant, c.1521_1522delinsTA, is a complex sequence change that results in the deletion of 2 and insertion of 2 amino acid(s) in the ALDH18A1 protein (p.Lys507_Glu508delinsAsnLys). Information on the frequency of this variant in the gnomAD database is not available, as this variant may be reported differently in the database. This variant has not been reported in the literature in individuals affected with ALDH18A1-related conditions. Experimental studies and prediction algorithms are not available or were not evaluated, and the functional significance of this variant is currently unknown. In summary, the available evidence is currently insufficient to determine the role of this variant in disease. Therefore, it has been classified as a Variant of Uncertain Significance.